The following is an entry in ClinVar:

ClinVar aggregate classification (germline): Uncertain significance. Review status: criteria provided, multiple submitters, no conflicts (2 of 4 stars). 2 submissions from 2 submitters: Uncertain significance (2). Last evaluated 2024-09-23.

Conditions:
Inborn genetic diseases. Identifiers: MedGen C0950123, MeSH D030342.

Allele frequency attached by ClinVar (database versions not stated): gnomAD 0.00001.
gnomAD v4.1: 10 of 1,613,990 alleles (0.00062%); highest among the groups gnomAD compares: Admixed American, 0.012%; no homozygotes.

Submissions (2):

Labcorp Genetics (formerly Invitae), Labcorp
Classification: Uncertain significance. Last evaluated: 2024-09-23. Review status: criteria provided, single submitter. Criteria: Invitae Variant Classification Sherloc (09022015). Collection method: clinical testing. Allele origin: germline.
Comment: This sequence change replaces serine, which is neutral and polar, with asparagine, which is neutral and polar, at codon 919 of the ATR protein (p.Ser919Asn). This variant is present in population databases (rs746370472, gnomAD 0.02%). This variant has not been reported in the literature in individuals affected with ATR-related conditions. ClinVar contains an entry for this variant (Variation ID: 1444022). An algorithm developed to predict the effect of missense changes on protein structure and function (PolyPhen-2) suggests that this variant is likely to be tolerated. In summary, the available evidence is currently insufficient to determine the role of this variant in disease. Therefore, it has been classified as a Variant of Uncertain Significance.

Ambry Genetics
Classification: Uncertain significance for Inborn genetic diseases. Last evaluated: 2021-09-05. Review status: criteria provided, single submitter. Criteria: Ambry Variant Classification Scheme 2023. Collection method: clinical testing. Allele origin: germline.

NM_001184.4(ATR):c.2756G>A (p.Ser919Asn)

Gene: ATR (ATR checkpoint kinase; minus strand). Cytogenetic location: 3q23.
Variant type: single nucleotide variant.
Coding change: c.2756G>A on transcript NM_001184.4 (MANE Select); coding-DNA position 2756, G replaced by A.
Protein change: p.Ser919Asn; replaces serine 919 with asparagine.
Molecular consequence: missense variant.
Genome position (GRCh38, 1-based): chr3:142,553,276, C>T on the plus strand (G>A on the coding strand, the complement: ATR is on the minus strand). VCF-style: chr3-142553276-C-T. GRCh37 (hg19) VCF-style: chr3-142272118-C-T.
Other names: c.2564G>A, p.Ser855Asn (NM_001354579.2); c.2756G>A (NM_001184.3); short protein forms S855N, S919N.
Identifiers: ClinVar variation 1444022 (VCV001444022.8), dbSNP rs746370472, ClinGen allele CA2650285.